The following is an entry in ClinVar:

ClinVar aggregate classification (germline): Uncertain significance. Review status: criteria provided, multiple submitters, no conflicts (2 of 4 stars). 2 submissions from 2 submitters: Uncertain significance (2). Last evaluated 2024-11-23.

Allele frequency attached by ClinVar (database versions not stated): gnomAD exomes below 0.00001.

Submissions (2):

Ambry Genetics
Classification: Uncertain significance. Last evaluated: 2024-11-23. Review status: criteria provided, single submitter. Criteria: Ambry Variant Classification Scheme 2023. Collection method: clinical testing. Allele origin: germline.
Comment: The p.T624A variant (also known as c.1870A>G), located in coding exon 19 of the SRP72 gene, results from an A to G substitution at nucleotide position 1870. The threonine at codon 624 is replaced by alanine, an amino acid with similar properties. This amino acid position is conserved. In addition, the in silico prediction for this alteration is inconclusive. Based on the available evidence, the clinical significance of this variant remains unclear.

Labcorp Genetics (formerly Invitae), Labcorp
Classification: Uncertain significance. Last evaluated: 2022-12-16. Review status: criteria provided, single submitter. Criteria: Invitae Variant Classification Sherloc (09022015). Collection method: clinical testing. Allele origin: germline.
Comment: This sequence change replaces threonine, which is neutral and polar, with alanine, which is neutral and non-polar, at codon 624 of the SRP72 protein (p.Thr624Ala). This variant is not present in population databases (gnomAD no frequency). This variant has not been reported in the literature in individuals affected with SRP72-related conditions. Advanced modeling of protein sequence and biophysical properties (such as structural, functional, and spatial information, amino acid conservation, physicochemical variation, residue mobility, and thermodynamic stability) performed at Invitae indicates that this missense variant is not expected to disrupt SRP72 protein function. In summary, the available evidence is currently insufficient to determine the role of this variant in disease. Therefore, it has been classified as a Variant of Uncertain Significance.

NM_006947.4(SRP72):c.1870A>G (p.Thr624Ala)

Gene: SRP72 (signal recognition particle 72; plus strand). Cytogenetic location: 4q12.
Variant type: single nucleotide variant.
Coding change: c.1870A>G on transcript NM_006947.4 (MANE Select); coding-DNA position 1870, A replaced by G.
Protein change: p.Thr624Ala; replaces threonine 624 with alanine.
Molecular consequence: missense variant. On other transcripts: non-coding transcript variant (1).
Genome position (GRCh38, 1-based): chr4:56,501,715, A>G. VCF-style: chr4-56501715-A-G. GRCh37 (hg19) VCF-style: chr4-57367881-A-G.
Other names: c.1870A>G (NM_006947.3); c.1687A>G, p.Thr563Ala (NM_001267722.2); short protein forms T563A, T624A.
Identifiers: ClinVar variation 2986111 (VCV002986111.4), dbSNP rs1578201295, ClinGen allele CA357003507.